The following is an entry in ClinVar:

ClinVar aggregate classification (germline): Uncertain significance (1 of 4 stars; one submission).

Allele frequency attached by ClinVar (database versions not stated): TOPMed below 0.00001; gnomAD 0.00001.
gnomAD v4.1: 13 of 1,544,200 alleles (0.00084%); highest among the groups gnomAD compares: South Asian, 0.0071%; no homozygotes.

Submission:

Labcorp Genetics (formerly Invitae), Labcorp
Classification: Uncertain significance. Last evaluated: 2022-08-13. Review status: criteria provided, single submitter. Criteria: Invitae Variant Classification Sherloc (09022015). Collection method: clinical testing. Allele origin: germline.
Comment: This variant is present in population databases (no rsID available, gnomAD 0.009%). This sequence change replaces arginine, which is basic and polar, with proline, which is neutral and non-polar, at codon 139 of the NEFH protein (p.Arg139Pro). This variant has not been reported in the literature in individuals affected with NEFH-related conditions. Advanced modeling of protein sequence and biophysical properties (such as structural, functional, and spatial information, amino acid conservation, physicochemical variation, residue mobility, and thermodynamic stability) performed at Invitae indicates that this missense variant is not expected to disrupt NEFH protein function. In summary, the available evidence is currently insufficient to determine the role of this variant in disease. Therefore, it has been classified as a Variant of Uncertain Significance.

NM_021076.4(NEFH):c.416G>C (p.Arg139Pro)

Gene: NEFH (neurofilament heavy chain; plus strand). Cytogenetic location: 22q12.2.
Variant type: single nucleotide variant.
Coding change: c.416G>C on transcript NM_021076.4 (MANE Select); coding-DNA position 416, G replaced by C.
Protein change: p.Arg139Pro; replaces arginine 139 with proline.
Molecular consequence: missense variant.
Genome position (GRCh38, 1-based): chr22:29,480,678, G>C. VCF-style: chr22-29480678-G-C. GRCh37 (hg19) VCF-style: chr22-29876667-G-C.
Other names: short protein forms R139P.
Identifiers: ClinVar variation 2034718 (VCV002034718.4), dbSNP rs1187998283, ClinGen allele CA411122809.
Genomic context (GRCh38, chr22:29,480,678, plus strand): 5'-AGGCGCACAACCGCAGCCTGGAGGGCGAGGCTGCGGCGCTGCGGCAGCAGCAGGCGGGCC[G>C]CTCCGCTATGGGCGAGCTGTACGAGCGCGAGGTCCGCGAGATGCGCGGCGCGGTGCTGCG-3'
Protein context (NP_066554.2, residues 129-149): AAALRQQQAG[Arg139Pro]SAMGELYERE